The following is an entry in ClinVar:

ClinVar aggregate classification (germline): Uncertain significance. Review status: criteria provided, multiple submitters, no conflicts (2 of 4 stars). 7 submissions from 7 submitters: Uncertain significance (6). 1 of the submissions does not count toward it. Last evaluated 2025-01-29.

Conditions:
Familial thoracic aortic aneurysm and aortic dissection (TAAD). Also called: Thoracic aortic aneurysms and dissections. Identifiers: Orphanet 91387, MedGen C4707243, MONDO:0019625.
Marfan syndrome (MFS). Also called: MARFAN SYNDROME, TYPE I; Marfan syndrome type 1; Marfan's syndrome; Marfan syndrome, classic; FBN1-Related Marfan Syndrome. Identifiers: Orphanet 284963, Orphanet 558, MedGen C0024796, MONDO:0007947, OMIM 154700.

Allele frequency attached by ClinVar (database versions not stated): gnomAD exomes 0.00001.
gnomAD v4.1: 13 of 1,613,188 alleles (0.00081%); highest among the groups gnomAD compares: Non-Finnish European, 0.0011%; no homozygotes.

Submissions (7):

Labcorp Genetics (formerly Invitae), Labcorp
Classification: Uncertain significance for Marfan syndrome; Familial thoracic aortic aneurysm and aortic dissection. Last evaluated: 2025-01-29. Review status: criteria provided, single submitter. Criteria: Invitae Variant Classification Sherloc (09022015). Collection method: clinical testing. Allele origin: germline.
Comment: This sequence change replaces proline, which is neutral and non-polar, with leucine, which is neutral and non-polar, at codon 938 of the FBN1 protein (p.Pro938Leu). This variant is not present in population databases (gnomAD no frequency). This variant has not been reported in the literature in individuals affected with FBN1-related conditions. ClinVar contains an entry for this variant (Variation ID: 549115). Invitae Evidence Modeling of protein sequence and biophysical properties (such as structural, functional, and spatial information, amino acid conservation, physicochemical variation, residue mobility, and thermodynamic stability) indicates that this missense variant is expected to disrupt FBN1 protein function with a positive predictive value of 95%. In summary, the available evidence is currently insufficient to determine the role of this variant in disease. Therefore, it has been classified as a Variant of Uncertain Significance.

Institute of Human Genetics, Cologne University
Classification: Uncertain significance for Marfan syndrome. Last evaluated: 2025-01-22. Review status: criteria provided, single submitter. Criteria: ACMG Guidelines, 2015. Collection method: clinical testing. Allele origin: germline. Affected: yes.

CeGaT Center for Human Genetics Tuebingen
Classification: Uncertain significance. Last evaluated: 2024-12-01. Review status: criteria provided, single submitter. Criteria: CeGaT Center For Human Genetics Tuebingen Variant Classification Criteria Version 2. Collection method: clinical testing. Allele origin: germline. Affected: yes. Observed: 2 variant alleles.

All of Us Research Program, National Institutes of Health
Classification: Uncertain significance for Marfan syndrome. Last evaluated: 2024-09-23. Review status: criteria provided, single submitter. Criteria: ACMG Guidelines, 2015. Collection method: clinical testing. Allele origin: germline. Inheritance: Autosomal dominant inheritance. Observed: 2 variant alleles, 2 heterozygotes.
Comment: This missense variant replaces proline with leucine at codon 938 of the FBN1 protein. Computational prediction tools and conservation analyses suggest that this variant may have deleterious impact on protein function. Computational splicing tools suggest that this variant may not impact RNA splicing. To our knowledge, functional assays have not been performed for this variant nor has this variant been reported in individuals affected with cardiovascular disorders in the literature. This variant has not been identified in the general population by the Genome Aggregation Database (gnomAD). Available evidence is insufficient to determine the role of this variant in disease conclusively. Therefore, this variant is classified as a Variant of Uncertain Significance.

This study involves interpretation of variants in research participants for the purpose of population health screening. Participant phenotype was not available at the time of variant classification. Additional details can be found in publication PMID: 35346344, PMCID: PMC8962531

Color Diagnostics, LLC DBA Color Health
Classification: Uncertain significance for Familial thoracic aortic aneurysm and aortic dissection. Last evaluated: 2023-10-16. Review status: criteria provided, single submitter. Criteria: ACMG Guidelines, 2015. Collection method: clinical testing. Allele origin: germline.
Comment: This missense variant replaces proline with leucine at codon 938 of the FBN1 protein. Computational prediction suggests that this variant may have deleterious impact on protein structure and function (internally defined REVEL score threshold >= 0.7, PMID: 27666373). To our knowledge, functional studies have not been reported for this variant. This variant has not been reported in individuals affected with FBN1-related disorders in the literature. This variant has not been identified in the general population by the Genome Aggregation Database (gnomAD). The available evidence is insufficient to determine the role of this variant in disease conclusively. Therefore, this variant is classified as a Variant of Uncertain Significance.

Women's Health and Genetics/Laboratory Corporation of America, LabCorp
Classification: Uncertain significance. Last evaluated: 2021-05-17. Review status: criteria provided, single submitter. Criteria: LabCorp Variant Classification Summary - May 2015. Collection method: clinical testing. Allele origin: germline.
Comment: Variant summary: FBN1 c.2813C>T (p.Pro938Leu) results in a non-conservative amino acid change located in the EGF-like domain (IPR000742) of the encoded protein sequence. Five of five in-silico tools predict a damaging effect of the variant on protein function. The variant was absent in 251468 control chromosomes. The available data on variant occurrences in the general population are insufficient to allow any conclusion about variant significance. To our knowledge, no occurrence of c.2813C>T in individuals affected with Marfan Syndrome and no experimental evidence demonstrating its impact on protein function have been reported. Three clinical diagnostic laboratories have submitted clinical-significance assessments for this variant to ClinVar after 2014 without evidence for independent evaluation. All laboratories classified the variant as uncertain significance. Based on the evidence outlined above, the variant was classified as uncertain significance.

Center for Medical Genetics Ghent, University of Ghent
Classification: Uncertain significance for Marfan syndrome. Last evaluated: 2017-11-07. Review status: no assertion criteria provided. Collection method: clinical testing. Allele origin: germline. Affected: yes. Not counted in ClinVar's aggregate classification.

Literature cited by the submitters: PubMed 25320358 (cited by Women's Health and Genetics/Laboratory Corporation of America, LabCorp).

NM_000138.5(FBN1):c.2813C>T (p.Pro938Leu)

Gene: FBN1 (fibrillin 1; minus strand). Cytogenetic location: 15q21.1.
Variant type: single nucleotide variant.
Coding change: c.2813C>T on transcript NM_000138.5 (MANE Select); coding-DNA position 2813, C replaced by T.
Protein change: p.Pro938Leu; replaces proline 938 with leucine.
Molecular consequence: missense variant.
Genome position (GRCh38, 1-based): chr15:48,492,502, G>A on the plus strand (C>T on the coding strand, the complement: FBN1 is on the minus strand). VCF-style: chr15-48492502-G-A. GRCh37 (hg19) VCF-style: chr15-48784699-G-A.
Other names: short protein forms P938L.
Identifiers: ClinVar variation 549115 (VCV000549115.28), dbSNP rs758257941, ClinGen allele CA269535747.
Genomic context (GRCh38, chr15:48,492,502, plus strand): 5'-TAATGAGCTCAGTATTTACCAAGACAGATCCTTCCTGTGGCATCCAAAGTCATTCCACTG[G>A]GACACTGACACTTGAATGACCCCCTAGTGTTAACACACAGGCCATTTTTACACACTCCTG-3'
Protein context (NP_000129.3, residues 928-948): NTRGSFKCQC[Pro938Leu]SGMTLDATGR